The following is an entry in ClinVar:

ClinVar aggregate classification (germline): Uncertain significance (1 of 4 stars; one submission).

Conditions:
POLD1-related polyposis and colorectal cancer syndrome (CRCS10). Also called: Colorectal cancer 10; COLORECTAL CANCER, SUSCEPTIBILITY TO, ON CHROMOSOME 19q; Colorectal cancer, susceptibility to, 10. Identifiers: Orphanet 220460, MedGen C2675481, MONDO:0012953, OMIM 612591.

Submission:

Labcorp Genetics (formerly Invitae), Labcorp
Classification: Uncertain significance for POLD1-related polyposis and colorectal cancer syndrome. Last evaluated: 2019-10-17. Review status: criteria provided, single submitter. Criteria: Invitae Variant Classification Sherloc (09022015). Collection method: clinical testing. Allele origin: germline.
Comment: This sequence change replaces methionine with threonine at codon 527 of the POLD1 protein (p.Met527Thr). The methionine residue is highly conserved and there is a moderate physicochemical difference between methionine and threonine. This variant is not present in population databases (ExAC no frequency). This variant has not been reported in the literature in individuals with POLD1-related conditions. Algorithms developed to predict the effect of missense changes on protein structure and function (SIFT, PolyPhen-2, Align-GVGD) all suggest that this variant is likely to be disruptive, but these predictions have not been confirmed by published functional studies and their clinical significance is uncertain. In summary, the available evidence is currently insufficient to determine the role of this variant in disease. Therefore, it has been classified as a Variant of Uncertain Significance.

NM_002691.4(POLD1):c.1580T>C (p.Met527Thr)

Gene: POLD1 (DNA polymerase delta 1, catalytic subunit; plus strand). Cytogenetic location: 19q13.33.
Variant type: single nucleotide variant.
Coding change: c.1580T>C on transcript NM_002691.4 (MANE Select); coding-DNA position 1580, T replaced by C.
Protein change: p.Met527Thr; replaces methionine 527 with threonine.
Molecular consequence: missense variant. On other transcripts: non-coding transcript variant (1).
Genome position (GRCh38, 1-based): chr19:50,407,068, T>C. VCF-style: chr19-50407068-T-C. GRCh37 (hg19) VCF-style: chr19-50910325-T-C.
Other names: c.1580T>C, p.Met527Thr (NM_001256849.1, NM_001308632.1); short protein forms M527T.
Identifiers: ClinVar variation 964727 (VCV000964727.9), dbSNP rs2038919195, ClinGen allele CA406980904.